The following is an entry in ClinVar:

NM_014425.5(INVS):c.2772G>T (p.Gln924His)

Gene: INVS (inversin; plus strand). Cytogenetic location: 9q31.1.
Variant type: single nucleotide variant.
Coding change: c.2772G>T on transcript NM_014425.5 (MANE Select); coding-DNA position 2772, G replaced by T.
Protein change: p.Gln924His; replaces glutamine 924 with histidine.
Molecular consequence: missense variant. On other transcripts: non-coding transcript variant (1).
Genome position (GRCh38, 1-based): chr9:100,293,029, G>T. VCF-style: chr9-100293029-G-T. GRCh37 (hg19) VCF-style: chr9-103055311-G-T.
Other names: c.2484G>T, p.Gln828His (NM_001318381.2); c.1794G>T, p.Gln598His (NM_001318382.2); short protein forms Q598H, Q828H, Q924H.
Identifiers: ClinVar variation 2766135 (VCV002766135.3), dbSNP rs2490119132, ClinGen allele CA374244470.

ClinVar aggregate classification (germline): Uncertain significance (1 of 4 stars; one submission).

Conditions:
Nephronophthisis. Also called: Juvenile Nephronophthisis. Identifiers: Orphanet 655, MedGen C0687120, MONDO:0019005, HP:0000090.

Submission:

Labcorp Genetics (formerly Invitae), Labcorp
Classification: Uncertain significance for Nephronophthisis. Last evaluated: 2023-10-05. Review status: criteria provided, single submitter. Criteria: Invitae Variant Classification Sherloc (09022015). Collection method: clinical testing. Allele origin: germline.
Comment: This sequence change replaces glutamine, which is neutral and polar, with histidine, which is basic and polar, at codon 924 of the INVS protein (p.Gln924His). This variant is not present in population databases (gnomAD no frequency). This variant has not been reported in the literature in individuals affected with INVS-related conditions. An algorithm developed to predict the effect of missense changes on protein structure and function (PolyPhen-2) suggests that this variant is likely to be disruptive. In summary, the available evidence is currently insufficient to determine the role of this variant in disease. Therefore, it has been classified as a Variant of Uncertain Significance.